The following is an entry in ClinVar:

ClinVar aggregate classification (germline): Uncertain significance. Review status: criteria provided, multiple submitters, no conflicts (2 of 4 stars). 2 submissions from 2 submitters: Uncertain significance (2). Last evaluated 2026-05-28.

Conditions:
Tuberous sclerosis 2 (TSC2). Identifiers: Orphanet 805, MedGen C1860707, MONDO:0013199, OMIM 613254.

gnomAD v4.1: 1 of 1,610,840 alleles (0.000062%); highest among the groups gnomAD compares: Non-Finnish European, 0.000085%; no homozygotes.

Submissions (2):

GeneDx
Classification: Uncertain significance. Last evaluated: 2026-05-28. Review status: criteria provided, single submitter. Criteria: GeneDx Variant Classification Process June 2021. Collection method: clinical testing. Allele origin: germline.
Comment: Not observed at significant frequency in large population cohorts (gnomAD); Has not been previously published as pathogenic or benign to our knowledge; Nonsense variant predicted to result in protein truncation as the last 16 amino acid(s) are lost

Labcorp Genetics (formerly Invitae), Labcorp
Classification: Uncertain significance for Tuberous sclerosis 2. Last evaluated: 2024-10-17. Review status: criteria provided, single submitter. Criteria: Invitae Variant Classification Sherloc (09022015). Collection method: clinical testing. Allele origin: germline.
Comment: This sequence change creates a premature translational stop signal (p.Gln1792*) in the TSC2 gene. While this is not anticipated to result in nonsense mediated decay, it is expected to disrupt the last 17 amino acid(s) of the TSC2 protein. This variant is not present in population databases (gnomAD no frequency). This variant has not been reported in the literature in individuals affected with TSC2-related conditions. ClinVar contains an entry for this variant (Variation ID: 2020349). Experimental studies and prediction algorithms are not available or were not evaluated, and the functional significance of this variant is currently unknown. In summary, the available evidence is currently insufficient to determine the role of this variant in disease. Therefore, it has been classified as a Variant of Uncertain Significance.

NM_000548.5(TSC2):c.5374C>T (p.Gln1792Ter)

Gene: TSC2 (TSC complex subunit 2; plus strand). Cytogenetic location: 16p13.3.
Variant type: single nucleotide variant.
Coding change: c.5374C>T on transcript NM_000548.5 (MANE Select); coding-DNA position 5374, C replaced by T.
Protein change: p.Gln1792Ter; replaces glutamine 1792 with a stop codon.
Molecular consequence: nonsense.
Genome position (GRCh38, 1-based): chr16:2,088,560, C>T. VCF-style: chr16-2088560-C-T. GRCh37 (hg19) VCF-style: chr16-2138561-C-T.
Other names: c.5173C>T, p.Gln1725Ter (NM_001077183.3); c.5305C>T, p.Gln1769Ter (NM_001114382.3); c.5065C>T, p.Gln1689Ter (NM_001318827.2); c.5029C>T, p.Gln1677Ter (NM_001318829.2); c.4642C>T, p.Gln1548Ter (NM_001318831.2); c.5206C>T, p.Gln1736Ter (NM_001318832.2); c.5176C>T, p.Gln1726Ter (NM_001363528.2); c.5242C>T, p.Gln1748Ter (NM_001370404.1); and 27 more; short protein forms Q1277*, Q1300*, Q1525*, Q1676*, Q1677*, Q1688*, Q1722*, Q1748*.
Identifiers: ClinVar variation 2020349 (VCV002020349.6), dbSNP rs201916931, ClinGen allele CA394315949.
Genomic context (GRCh38, chr16:2,088,560, plus strand): 5'-TCCCATAGCAAAGCCCCTGCACAGACTCCAGCCGAGCCCACACCTGGCTATGAGGTGGGC[C>T]AGCGGAAGCGCCTCATCTCCTCGGTGGAGGACTTCACCGAGTTTGTGTGAGGCCGGGGCC-3'